The following is an entry in ClinVar:

ClinVar aggregate classification (germline): Uncertain significance. Review status: criteria provided, multiple submitters, no conflicts (2 of 4 stars). 2 submissions from 2 submitters: Uncertain significance (2). Last evaluated 2024-09-18.

Allele frequency attached by ClinVar (database versions not stated): gnomAD 0.00001.

Submissions (2):

Labcorp Genetics (formerly Invitae), Labcorp
Classification: Uncertain significance. Last evaluated: 2024-09-18. Review status: criteria provided, single submitter. Criteria: Invitae Variant Classification Sherloc (09022015). Collection method: clinical testing. Allele origin: germline.
Comment: This sequence change replaces glutamine, which is neutral and polar, with arginine, which is basic and polar, at codon 269 of the CTNNA1 protein (p.Gln269Arg). This variant is present in population databases (no rsID available, gnomAD 0.03%). This variant has not been reported in the literature in individuals affected with CTNNA1-related conditions. ClinVar contains an entry for this variant (Variation ID: 1364218). An algorithm developed to predict the effect of missense changes on protein structure and function (PolyPhen-2) suggests that this variant is likely to be tolerated. In summary, the available evidence is currently insufficient to determine the role of this variant in disease. Therefore, it has been classified as a Variant of Uncertain Significance.

GeneDx
Classification: Uncertain significance. Last evaluated: 2023-05-05. Review status: criteria provided, single submitter. Criteria: GeneDx Variant Classification Process June 2021. Collection method: clinical testing. Allele origin: germline. Affected: yes.
Comment: Not observed at significant frequency in large population cohorts (gnomAD); In silico analysis supports that this missense variant does not alter protein structure/function; Has not been previously published as pathogenic or benign to our knowledge

NM_001903.5(CTNNA1):c.806A>G (p.Gln269Arg)

Gene: CTNNA1 (catenin alpha 1; plus strand). Cytogenetic location: 5q31.2.
Variant type: single nucleotide variant.
Coding change: c.806A>G on transcript NM_001903.5 (MANE Select); coding-DNA position 806, A replaced by G.
Protein change: p.Gln269Arg; replaces glutamine 269 with arginine.
Molecular consequence: missense variant.
Genome position (GRCh38, 1-based): chr5:138,824,747, A>G. VCF-style: chr5-138824747-A-G. GRCh37 (hg19) VCF-style: chr5-138160436-A-G.
Other names: c.806A>G, p.Gln269Arg (NM_001290307.3, NM_001323982.2, NM_001323983.1 and 3 more transcripts); c.497A>G, p.Gln166Arg (NM_001290309.3); c.437A>G, p.Gln146Arg (NM_001290310.3); c.806A>G (NM_001903.3); short protein forms Q166R, Q146R, Q269R.
Identifiers: ClinVar variation 1364218 (VCV001364218.8), dbSNP rs1375425400, ClinGen allele CA361130104.